The following is an entry in ClinVar:

NM_144572.2(TBC1D2B):c.2475T>G (p.Thr825=)

Gene: TBC1D2B (TBC1 domain family member 2B; minus strand). Cytogenetic location: 15q25.1.
Variant type: single nucleotide variant.
Coding change: c.2475T>G on transcript NM_144572.2 (MANE Select); coding-DNA position 2475, T replaced by G.
Protein change: p.Thr825=; no amino-acid change (threonine 825 retained).
Molecular consequence: synonymous variant.
Genome position (GRCh38, 1-based): chr15:78,003,404, A>C on the plus strand (T>G on the coding strand, the complement: TBC1D2B is on the minus strand). VCF-style: chr15-78003404-A-C. GRCh37 (hg19) VCF-style: chr15-78295746-A-C.
Other names: c.2475T>G, p.Thr825= (NM_001387142.1, NM_001387144.1, NM_015079.6); c.2472T>G, p.Thr824= (NM_001387143.1); c.2139T>G, p.Thr713= (NM_001387145.1, NM_001387146.1, NM_001387147.1 and 1 more transcripts); c.2025T>G, p.Thr675= (NM_001387149.1).
Identifiers: ClinVar variation 4535091 (VCV004535091.6).

ClinVar aggregate classification (germline): Likely benign (1 of 4 stars; one submission).

gnomAD v4.1: 42 of 1,613,792 alleles (0.0026%); highest among the groups gnomAD compares: Non-Finnish European, 0.0035%; no homozygotes.

Submission:

CeGaT Center for Human Genetics Tuebingen
Classification: Likely benign. Last evaluated: 2025-10-01. Review status: criteria provided, single submitter. Criteria: CeGaT Center For Human Genetics Tuebingen Variant Classification Criteria Version 2. Collection method: clinical testing. Allele origin: germline. Affected: yes. Observed: 1 variant allele.
Comment: TBC1D2B: BP4, BP7